The following is an entry in ClinVar:

NM_007315.4(STAT1):c.2230G>A (p.Asp744Asn)

Gene: STAT1 (signal transducer and activator of transcription 1; minus strand). Cytogenetic location: 2q32.2.
Variant type: single nucleotide variant.
Coding change: c.2230G>A on transcript NM_007315.4 (MANE Select); coding-DNA position 2230, G replaced by A.
Protein change: p.Asp744Asn; replaces aspartic acid 744 with asparagine.
Molecular consequence: missense variant.
Genome position (GRCh38, 1-based): chr2:190,974,838, C>T on the plus strand (G>A on the coding strand, the complement: STAT1 is on the minus strand). VCF-style: chr2-190974838-C-T. GRCh37 (hg19) VCF-style: chr2-191839564-C-T.
Other names: c.2170G>A, p.Asp724Asn (NM_001384880.1); c.2236G>A, p.Asp746Asn (NM_001384881.1); c.2224G>A, p.Asp742Asn (NM_001384882.1); c.2131G>A, p.Asp711Asn (NM_001384883.1); c.1993G>A, p.Asp665Asn (NM_001384884.1); c.2071G>A, p.Asp691Asn (NM_001384885.1); c.2254G>A, p.Asp752Asn (NM_001384886.1); c.2137G>A, p.Asp713Asn (NM_001384887.1); and 4 more; short protein forms D665N, D713N, D724N, D740N, D691N, D746N, D756N, D744N.
Identifiers: ClinVar variation 1975248 (VCV001975248.8), dbSNP rs780156389, ClinGen allele CA2029717.
Genomic context (GRCh38, chr2:190,974,838, plus strand): 5'-CTGAGCACACACACTTATTGAGAGCTACACACAGGCCAGCCGTGGTACTCACCATACTGT[C>T]GAATTCTACAGAGCCCACTATCCGAGACACCTCGTCAAACTCCTCAGGAGACATGGGGAG-3'
Protein context (NP_009330.1, residues 734-750): VSRIVGSVEF[Asp744Asn]SMMNTV

ClinVar aggregate classification (germline): Uncertain significance. Review status: criteria provided, multiple submitters, no conflicts (2 of 4 stars). 2 submissions from 2 submitters: Uncertain significance (2). Last evaluated 2025-04-18.

Conditions:
Inborn genetic diseases. Identifiers: MedGen C0950123, MeSH D030342.
Immunodeficiency 31B. Also called: STAT1 DEFICIENCY, AUTOSOMAL RECESSIVE; IMMUNODEFICIENCY 31B, MYCOBACTERIAL AND VIRAL INFECTIONS, AUTOSOMAL RECESSIVE. Identifiers: Orphanet 391311, MedGen C3151088, MONDO:0013427, OMIM 613796.
Autoimmune enteropathy and endocrinopathy - susceptibility to chronic infections syndrome. Also called: Immunodeficiency 31C, autosomal dominant; Immunodeficiency 31C. Identifiers: Orphanet 391487, MedGen C3279990, MONDO:0013599, OMIM 614162.
Mendelian susceptibility to mycobacterial diseases due to partial STAT1 deficiency. Also called: IMMUNODEFICIENCY 31A, MYCOBACTERIOSIS, AUTOSOMAL DOMINANT; STAT1 DEFICIENCY, AUTOSOMAL DOMINANT; Immunodeficiency 31a. Identifiers: Orphanet 319595, MedGen C4013950, MONDO:0013956, OMIM 614892.

Allele frequency attached by ClinVar (database versions not stated): ExAC 0.00001; gnomAD 0.00001; TOPMed 0.00002.
gnomAD v4.1: 8 of 1,613,822 alleles (0.0005%); highest among the groups gnomAD compares: East Asian, 0.0067%; no homozygotes.

Submissions (2):

Ambry Genetics
Classification: Uncertain significance for Inborn genetic diseases. Last evaluated: 2025-04-18. Review status: criteria provided, single submitter. Criteria: Ambry Variant Classification Scheme 2023. Collection method: clinical testing. Allele origin: germline.

Labcorp Genetics (formerly Invitae), Labcorp
Classification: Uncertain significance for Mendelian susceptibility to mycobacterial diseases due to partial STAT1 deficiency; Immunodeficiency 31B; Autoimmune enteropathy and endocrinopathy - susceptibility to chronic infections syndrome. Last evaluated: 2022-03-29. Review status: criteria provided, single submitter. Criteria: Invitae Variant Classification Sherloc (09022015). Collection method: clinical testing. Allele origin: germline.
Comment: In summary, the available evidence is currently insufficient to determine the role of this variant in disease. Therefore, it has been classified as a Variant of Uncertain Significance. Algorithms developed to predict the effect of missense changes on protein structure and function (SIFT, PolyPhen-2, Align-GVGD) all suggest that this variant is likely to be tolerated. This variant has not been reported in the literature in individuals affected with STAT1-related conditions. This variant is present in population databases (rs780156389, gnomAD 0.006%). This sequence change replaces aspartic acid, which is acidic and polar, with asparagine, which is neutral and polar, at codon 744 of the STAT1 protein (p.Asp744Asn).